The following is an entry in ClinVar:

ClinVar aggregate classification (germline): Uncertain significance (1 of 4 stars; one submission).

Conditions:
Ehlers-Danlos syndrome, classic type, 1 (EDSCL1). Also called: EHLERS-DANLOS SYNDROME, GRAVIS TYPE; EHLERS-DANLOS SYNDROME, SEVERE CLASSIC TYPE; Ehlers-Danlos syndrome, type 1; Ehlers-Danlos Syndrome, Classic Type, COL5A1-Related; EDS I. Identifiers: MedGen C0268335, MONDO:0019567, OMIM 130000.

Submission:

Labcorp Genetics (formerly Invitae), Labcorp
Classification: Uncertain significance for Ehlers-Danlos syndrome, classic type, 1. Last evaluated: 2024-09-09. Review status: criteria provided, single submitter. Criteria: Invitae Variant Classification Sherloc (09022015). Collection method: clinical testing. Allele origin: germline.
Comment: This sequence change replaces serine, which is neutral and polar, with phenylalanine, which is neutral and non-polar, at codon 1702 of the COL5A1 protein (p.Ser1702Phe). This variant is not present in population databases (gnomAD no frequency). This variant has not been reported in the literature in individuals affected with COL5A1-related conditions. Invitae Evidence Modeling of protein sequence and biophysical properties (such as structural, functional, and spatial information, amino acid conservation, physicochemical variation, residue mobility, and thermodynamic stability) indicates that this missense variant is not expected to disrupt COL5A1 protein function with a negative predictive value of 95%. In summary, the available evidence is currently insufficient to determine the role of this variant in disease. Therefore, it has been classified as a Variant of Uncertain Significance.

NM_000093.5(COL5A1):c.5105C>T (p.Ser1702Phe)

Genes: COL5A1 (collagen type V alpha 1 chain; plus strand), LOC101448202 (uncharacterized LOC101448202; minus strand). Cytogenetic location: 9q34.3.
Variant type: single nucleotide variant.
Coding change: c.5105C>T on transcript NM_000093.5 (MANE Select); coding-DNA position 5105, C replaced by T.
Protein change: p.Ser1702Phe; replaces serine 1702 with phenylalanine.
Molecular consequence: missense variant. On other transcripts: intron variant (1).
Genome position (GRCh38, 1-based): chr9:134,830,013, C>T. VCF-style: chr9-134830013-C-T. GRCh37 (hg19) VCF-style: chr9-137721859-C-T.
Other names: c.5068-95C>T (NM_001278074.1); short protein forms S1702F.
Identifiers: ClinVar variation 2742488 (VCV002742488.3), dbSNP rs768516952, ClinGen allele CA375459356.